The following is an entry in ClinVar:

NM_000834.5(GRIN2B):c.831C>T (p.Leu277=)

Gene: GRIN2B (glutamate ionotropic receptor NMDA type subunit 2B; minus strand). Cytogenetic location: 12p13.1.
Variant type: single nucleotide variant.
Coding change: c.831C>T on transcript NM_000834.5 (MANE Select); coding-DNA position 831, C replaced by T.
Protein change: p.Leu277=; no amino-acid change (leucine 277 retained).
Molecular consequence: synonymous variant.
Genome position (GRCh38, 1-based): chr12:13,753,496, G>A on the plus strand (C>T on the coding strand, the complement: GRIN2B is on the minus strand). VCF-style: chr12-13753496-G-A. GRCh37 (hg19) VCF-style: chr12-13906430-G-A.
Other names: c.831C>T, p.Leu277= (NM_001413992.1, NM_001413993.1, NM_001413994.1 and 1 more transcripts).
Identifiers: ClinVar variation 2642752 (VCV002642752.24), dbSNP rs2497777366, ClinGen allele CA478853546.

ClinVar aggregate classification (germline): Likely benign (1 of 4 stars; one submission).

gnomAD v4.1: 3 of 1,614,158 alleles (0.00019%); highest among the groups gnomAD compares: Middle Eastern, 0.016%; no homozygotes.

Submission:

CeGaT Center for Human Genetics Tuebingen
Classification: Likely benign. Last evaluated: 2023-09-01. Review status: criteria provided, single submitter. Criteria: CeGaT Center For Human Genetics Tuebingen Variant Classification Criteria Version 2. Collection method: clinical testing. Allele origin: germline. Affected: yes. Observed: 2 variant alleles.
Comment: GRIN2B: PM2:Supporting, BP4, BP7